The following is an entry in ClinVar:

ClinVar aggregate classification (germline): Uncertain significance (1 of 4 stars; one submission).

Conditions:
Inborn genetic diseases. Identifiers: MedGen C0950123, MeSH D030342.

Submission:

Ambry Genetics
Classification: Uncertain significance for Inborn genetic diseases. Last evaluated: 2023-08-31. Review status: criteria provided, single submitter. Criteria: Ambry Variant Classification Scheme 2023. Collection method: clinical testing. Allele origin: germline.
Comment: The p.S870Y variant (also known as c.2609C>A), located in coding exon 20 of the LRRK2 gene, results from a C to A substitution at nucleotide position 2609. The serine at codon 870 is replaced by tyrosine, an amino acid with dissimilar properties. This amino acid position is conserved. In addition, this alteration is predicted to be tolerated by in silico analysis. Since supporting evidence is limited at this time, the clinical significance of this alteration remains unclear.

NM_198578.4(LRRK2):c.2609C>A (p.Ser870Tyr)

Gene: LRRK2 (leucine rich repeat kinase 2; plus strand). Cytogenetic location: 12q12.
Variant type: single nucleotide variant.
Coding change: c.2609C>A on transcript NM_198578.4 (MANE Select); coding-DNA position 2609, C replaced by A.
Protein change: p.Ser870Tyr; replaces serine 870 with tyrosine.
Molecular consequence: missense variant.
Genome position (GRCh38, 1-based): chr12:40,287,459, C>A. VCF-style: chr12-40287459-C-A. GRCh37 (hg19) VCF-style: chr12-40681261-C-A.
Other names: short protein forms S870Y.
Identifiers: ClinVar variation 2587298 (VCV002587298.2), dbSNP rs988793252, ClinGen allele CA384408891.